The following is an entry in ClinVar:

ClinVar aggregate classification (germline): Likely benign. Review status: criteria provided, single submitter (1 of 4 stars). 2 submissions from 2 submitters: Likely benign (1). 1 of the submissions does not count toward it. Last evaluated 2024-04-15.

Conditions:
ACO2-related disorder. Also called: ACO2-Related Disorders.

Allele frequency attached by ClinVar (database versions not stated): ExAC 0.00001; gnomAD 0.00001; gnomAD exomes 0.00001; TOPMed 0.00002.
gnomAD v4.1: 22 of 1,613,950 alleles (0.0014%); highest among the groups gnomAD compares: African/African-American, 0.0027%; no homozygotes.

Submissions (2):

Labcorp Genetics (formerly Invitae), Labcorp
Classification: Likely benign. Last evaluated: 2024-04-15. Review status: criteria provided, single submitter. Criteria: Invitae Variant Classification Sherloc (09022015). Collection method: clinical testing. Allele origin: germline.

PreventionGenetics, part of Exact Sciences
Classification: Likely benign for ACO2-related condition. Last evaluated: 2023-08-14. Review status: no assertion criteria provided. Collection method: clinical testing. Allele origin: germline. Not counted in ClinVar's aggregate classification.
Comment: This variant is classified as likely benign based on ACMG/AMP sequence variant interpretation guidelines (Richards et al. 2015 PMID: 25741868, with internal and published modifications).

NM_001098.3(ACO2):c.1998C>T (p.Gly666=)

Genes: ACO2 (aconitase 2; plus strand), POLR3H (RNA polymerase III subunit H; minus strand). Cytogenetic location: 22q13.2.
Variant type: single nucleotide variant.
Coding change: c.1998C>T on transcript NM_001098.3 (MANE Select); coding-DNA position 1998, C replaced by T.
Protein change: p.Gly666=; no amino-acid change (glycine 666 retained).
Molecular consequence: synonymous variant. On other transcripts: 3 prime UTR variant (5).
Genome position (GRCh38, 1-based): chr22:41,527,332, C>T. VCF-style: chr22-41527332-C-T. GRCh37 (hg19) VCF-style: chr22-41923336-C-T.
Other names: c.*1951G>A (NM_001018050.4, NM_001018052.4, NM_001282884.2 and 2 more transcripts).
Identifiers: ClinVar variation 1481545 (VCV001481545.8), dbSNP rs756869428, ClinGen allele CA10257854.